The following is an entry in ClinVar:

ClinVar aggregate classification (germline): Pathogenic. Review status: criteria provided, multiple submitters, no conflicts (2 of 4 stars). 6 submissions from 6 submitters: Pathogenic (5). 1 of the submissions does not count toward it. Last evaluated 2024-07-18.

Conditions:
Cardiovascular phenotype. Identifiers: MedGen CN230736.
Marfan syndrome (MFS). Also called: MARFAN SYNDROME, TYPE I; FBN1-Related Marfan Syndrome; Marfan syndrome, classic; Marfan syndrome type 1; Marfan's syndrome. Identifiers: Orphanet 284963, Orphanet 558, MedGen C0024796, MONDO:0007947, OMIM 154700.
Familial thoracic aortic aneurysm and aortic dissection (TAAD). Also called: Thoracic aortic aneurysms and dissections. Identifiers: Orphanet 91387, MedGen C4707243, MONDO:0019625.
FBN1-related disorder. Also called: FBN1-related disorders.

Submissions (6):

Clinical Genetics Laboratory, Skane University Hospital Lund
Classification: Pathogenic for Marfan syndrome. Last evaluated: 2024-07-18. Review status: criteria provided, single submitter. Criteria: ACMG Guidelines, 2015. Collection method: clinical testing. Allele origin: germline. Affected: yes.
Comment: PVS1, PS4_Supporting, PM2

GeneDx
Classification: Pathogenic. Last evaluated: 2023-10-09. Review status: criteria provided, single submitter. Criteria: GeneDx Variant Classification Process June 2021. Collection method: clinical testing. Allele origin: germline. Affected: yes.
Comment: Identified in patients with Marfan syndrome referred for genetic testing at GeneDx and in published literature (PMID: 35943490); Not observed at significant frequency in large population cohorts (gnomAD); Nonsense variant predicted to result in protein truncation or nonsense mediated decay in a gene for which loss of function is a known mechanism of disease; This variant is associated with the following publications: (PMID: 28152038, 31447099, 35943490)

Labcorp Genetics (formerly Invitae), Labcorp
Classification: Pathogenic for Marfan syndrome; Familial thoracic aortic aneurysm and aortic dissection. Last evaluated: 2022-02-28. Review status: criteria provided, single submitter. Criteria: Invitae Variant Classification Sherloc (09022015). Collection method: clinical testing. Allele origin: germline.
Comment: This variant is not present in population databases (gnomAD no frequency). This sequence change creates a premature translational stop signal (p.Arg3*) in the FBN1 gene. It is expected to result in an absent or disrupted protein product. Loss-of-function variants in FBN1 are known to be pathogenic (PMID: 17657824, 19293843). This variant has not been reported in the literature in individuals affected with FBN1-related conditions. ClinVar contains an entry for this variant (Variation ID: 263416). For these reasons, this variant has been classified as Pathogenic.

Blueprint Genetics
Classification: Pathogenic for FBN1-related disorders. Last evaluated: 2017-10-16. Review status: criteria provided, single submitter. Criteria: ACMG Guidelines, 2015. Collection method: clinical testing. Allele origin: germline. Affected: yes. Observed: 2 variant alleles.

Ambry Genetics
Classification: Pathogenic for Cardiovascular phenotype. Last evaluated: 2012-10-02. Review status: criteria provided, single submitter. Criteria: Ambry Autosomal Dominant and X-Linked criteria (10/2015). Collection method: clinical testing. Allele origin: germline. Observed: 1 variant allele.

PreventionGenetics, part of Exact Sciences
Classification: Pathogenic for FBN1-related condition. Last evaluated: 2023-12-22. Review status: no assertion criteria provided. Collection method: clinical testing. Allele origin: germline. Not counted in ClinVar's aggregate classification.
Comment: The FBN1 c.7C>T variant is predicted to result in premature protein termination (p.Arg3*). This variant was reported to be causative for Marfan syndrome (Sherafati et al. 2022. PubMed ID: 35943490). This variant has not been reported in a large population database, indicating this variant is rare. Nonsense variants in FBN1 are expected to be pathogenic. This variant is interpreted as pathogenic.

Literature cited by the submitters: PubMed 17657824 (cited by Labcorp Genetics (formerly Invitae), Labcorp); PubMed 19293843 (cited by Labcorp Genetics (formerly Invitae), Labcorp).

NM_000138.5(FBN1):c.7C>T (p.Arg3Ter)

Gene: FBN1 (fibrillin 1; minus strand). Cytogenetic location: 15q21.1.
Variant type: single nucleotide variant.
Coding change: c.7C>T on transcript NM_000138.5 (MANE Select); coding-DNA position 7, C replaced by T.
Protein change: p.Arg3Ter; replaces arginine 3 with a stop codon.
Molecular consequence: nonsense.
Genome position (GRCh38, 1-based): chr15:48,644,763, G>A on the plus strand (C>T on the coding strand, the complement: FBN1 is on the minus strand). VCF-style: chr15-48644763-G-A. GRCh37 (hg19) VCF-style: chr15-48936960-G-A.
Other names: short protein forms R3*.
Identifiers: ClinVar variation 263416 (VCV000263416.16), dbSNP rs886038797, ClinGen allele CA10587869.
Genomic context (GRCh38, chr15:48,644,763, plus strand): 5'-GGCTCGTGTAGGACGCTAAAAGCACGGTAAATCCCAGGGCGATCTCCAGCAGACGCCCTC[G>A]ACGCATGATGCCGAGCCGCCACCGGCTCCCGCCGCCTCTTGCCGCGCCCGGGGCTCGGTC-3'